The following is an entry in ClinVar:

NM_001382508.1(DROSHA):c.586G>A (p.Ala196Thr)

Gene: DROSHA (drosha ribonuclease III; minus strand). Cytogenetic location: 5p13.3.
Variant type: single nucleotide variant.
Coding change: c.586G>A on transcript NM_001382508.1 (MANE Select); coding-DNA position 586, G replaced by A.
Protein change: p.Ala196Thr; replaces alanine 196 with threonine.
Molecular consequence: missense variant.
Genome position (GRCh38, 1-based): chr5:31,526,347, C>T on the plus strand (G>A on the coding strand, the complement: DROSHA is on the minus strand). VCF-style: chr5-31526347-C-T. GRCh37 (hg19) VCF-style: chr5-31526454-C-T.
Other names: c.586G>A, p.Ala196Thr (NM_001100412.2, NM_013235.5); short protein forms A196T.
Identifiers: ClinVar variation 3906502 (VCV003906502.1).

ClinVar aggregate classification (germline): Uncertain significance (1 of 4 stars; one submission).

gnomAD v4.1: 8 of 1,613,606 alleles (0.0005%); highest among the groups gnomAD compares: Admixed American, 0.0017%; no homozygotes.

Submission:

GeneDx
Classification: Uncertain significance. Last evaluated: 2022-04-21. Review status: criteria provided, single submitter. Criteria: GeneDx Variant Classification Process June 2021. Collection method: clinical testing. Allele origin: germline. Affected: yes.
Comment: In silico analysis supports that this missense variant has a deleterious effect on protein structure/function; Has not been previously published as pathogenic or benign to our knowledge; Variants in candidate genes are classified as variants of uncertain significance in accordance with ACMG guidelines (Richards et al., 2015)